The following is an entry in ClinVar:

NM_001220.5(CAMK2B):c.696C>T (p.Asp232=)

Gene: CAMK2B (calcium/calmodulin dependent protein kinase II beta; minus strand). Cytogenetic location: 7p13.
Variant type: single nucleotide variant.
Coding change: c.696C>T on transcript NM_001220.5 (MANE Select); coding-DNA position 696, C replaced by T.
Protein change: p.Asp232=; no amino-acid change (aspartic acid 232 retained).
Molecular consequence: synonymous variant.
Genome position (GRCh38, 1-based): chr7:44,242,560, G>A on the plus strand (C>T on the coding strand, the complement: CAMK2B is on the minus strand). VCF-style: chr7-44242560-G-A. GRCh37 (hg19) VCF-style: chr7-44282159-G-A.
Other names: c.696C>T, p.Asp232= (NM_001293170.2, NM_172078.3, NM_172079.3 and 5 more transcripts).
Identifiers: ClinVar variation 1945509 (VCV001945509.5), dbSNP rs747107925, ClinGen allele CA4240631.
Genomic context (GRCh38, chr7:44,242,560, plus strand): 5'-GCCCTCACCCGGCCACACCTGGAGGAAGGGAGCTCATCAGAGAGGGGCTGGTGCACTCAC[G>A]TCATAGGCACCAGCCTTGATCTGCTGGTACAGCTTGTGCTGGTCCTCGTCCCAGAAGGGT-3'
Protein context (NP_001211.3, residues 222-242): LYQQIKAGAY[Asp232=]FPSPEWDTVT

ClinVar aggregate classification (germline): Uncertain significance (1 of 4 stars; one submission).

Allele frequency attached by ClinVar (database versions not stated): TOPMed below 0.00001; ExAC 0.00002; gnomAD exomes 0.00003.
gnomAD v4.1: 43 of 1,604,356 alleles (0.0027%); highest among the groups gnomAD compares: Non-Finnish European, 0.0033%; no homozygotes.

Submission:

Labcorp Genetics (formerly Invitae), Labcorp
Classification: Uncertain significance. Last evaluated: 2024-03-10. Review status: criteria provided, single submitter. Criteria: Invitae Variant Classification Sherloc (09022015). Collection method: clinical testing. Allele origin: germline.
Comment: This sequence change affects codon 232 of the CAMK2B mRNA. It is a 'silent' change, meaning that it does not change the encoded amino acid sequence of the CAMK2B protein. It affects a nucleotide within the consensus splice site. This variant is present in population databases (rs747107925, gnomAD 0.003%). This variant has not been reported in the literature in individuals affected with CAMK2B-related conditions. ClinVar contains an entry for this variant (Variation ID: 1945509). Algorithms developed to predict the effect of sequence changes on RNA splicing suggest that this variant is not likely to affect RNA splicing. In summary, the available evidence is currently insufficient to determine the role of this variant in disease. Therefore, it has been classified as a Variant of Uncertain Significance.